The following is an entry in ClinVar:

NM_000138.5(FBN1):c.*1228T>C

Gene: FBN1 (fibrillin 1; minus strand). Cytogenetic location: 15q21.1.
Variant type: single nucleotide variant.
Coding change: c.*1228T>C on transcript NM_000138.5 (MANE Select); 1228 bases downstream of the stop codon, T replaced by C.
Molecular consequence: 3 prime UTR variant.
Genome position (GRCh38, 1-based): chr15:48,409,762, A>G on the plus strand (T>C on the coding strand, the complement: FBN1 is on the minus strand). VCF-style: chr15-48409762-A-G. GRCh37 (hg19) VCF-style: chr15-48701959-A-G.
Identifiers: ClinVar variation 316341 (VCV000316341.6), dbSNP rs372333234, ClinGen allele CA10646178.

ClinVar aggregate classification (germline): Benign/Likely benign. Review status: criteria provided, multiple submitters, no conflicts (2 of 4 stars). 8 submissions from 2 submitters: Benign (6); Likely benign (2). Last evaluated 2018-01-13.

Conditions:
Acromicric dysplasia (ACMICD). Also called: Acromicric skeletal dysplasia. Identifiers: Orphanet 969, MedGen C0265287, MONDO:0007055, OMIM 102370.
Stiff skin syndrome (SSKS). Identifiers: Orphanet 2833, MedGen C1861456, MONDO:0008492, OMIM 184900.
Weill-Marchesani syndrome. Also called: WM Syndrome; Mesodermal dysmorphodystrophy congenital. Identifiers: Orphanet 3449, MedGen C0265313, MONDO:0018096.
Ectopia lentis 1, isolated, autosomal dominant (ECTOL1). Identifiers: Orphanet 1885, MedGen C3541518, MONDO:0007514, OMIM 129600.
Marfan syndrome (MFS). Also called: Marfan syndrome type 1; Marfan's syndrome; MARFAN SYNDROME, TYPE I; Marfan syndrome, classic; FBN1-Related Marfan Syndrome. Identifiers: Orphanet 284963, Orphanet 558, MedGen C0024796, MONDO:0007947, OMIM 154700.
Geleophysic dysplasia. Identifiers: Orphanet 2623, MedGen C3489726, MONDO:0000127.
Familial thoracic aortic aneurysm and aortic dissection (TAAD). Also called: Thoracic aortic aneurysms and dissections. Identifiers: Orphanet 91387, MedGen C4707243, MONDO:0019625.

Allele frequency attached by ClinVar (database versions not stated): gnomAD 0.00016 and 0.00042; 1000 Genomes Project 0.00220; TOPMed 0.00025; 1000 Genomes Project 30x 0.00203.

Submissions (8):

Illumina Laboratory Services, Illumina
Classification: Benign for Acromicric dysplasia. Last evaluated: 2018-01-13. Review status: criteria provided, single submitter. Criteria: ICSL Variant Classification Criteria 13 December 2019. Collection method: clinical testing. Allele origin: germline.
Comment: This variant was observed in the ICSL laboratory as part of a predisposition screen in an ostensibly healthy population. It had not been previously curated by ICSL or reported in the Human Gene Mutation Database (HGMD: prior to June 1st, 2018), and was therefore a candidate for classification through an automated scoring system. Utilizing variant allele frequency, disease prevalence and penetrance estimates, and inheritance mode, an automated score was calculated to assess if this variant is too frequent to cause the disease. Based on the score and internal cut-off values, a variant classified as benign is not then subjected to further curation. The score for this variant resulted in a classification of benign for this disease.

Illumina Laboratory Services, Illumina
Classification: Benign for Stiff skin syndrome. Last evaluated: 2018-01-13. Review status: criteria provided, single submitter. Criteria: ICSL Variant Classification Criteria 13 December 2019. Collection method: clinical testing. Allele origin: germline.
Comment: the same text as in the submission from Illumina Laboratory Services, Illumina above.

Illumina Laboratory Services, Illumina
Classification: Benign for Weill-Marchesani syndrome. Last evaluated: 2018-01-13. Review status: criteria provided, single submitter. Criteria: ICSL Variant Classification Criteria 13 December 2019. Collection method: clinical testing. Allele origin: germline.
Comment: the same text as in the submission from Illumina Laboratory Services, Illumina above.

Illumina Laboratory Services, Illumina
Classification: Benign for Geleophysic dysplasia. Last evaluated: 2018-01-13. Review status: criteria provided, single submitter. Criteria: ICSL Variant Classification Criteria 13 December 2019. Collection method: clinical testing. Allele origin: germline.
Comment: the same text as in the submission from Illumina Laboratory Services, Illumina above.

Illumina Laboratory Services, Illumina
Classification: Benign for Ectopia lentis 1, isolated, autosomal dominant. Last evaluated: 2018-01-13. Review status: criteria provided, single submitter. Criteria: ICSL Variant Classification Criteria 13 December 2019. Collection method: clinical testing. Allele origin: germline.
Comment: the same text as in the submission from Illumina Laboratory Services, Illumina above.

Illumina Laboratory Services, Illumina
Classification: Likely benign for Familial thoracic aortic aneurysm and aortic dissection. Last evaluated: 2018-01-13. Review status: criteria provided, single submitter. Criteria: ICSL Variant Classification Criteria 13 December 2019. Collection method: clinical testing. Allele origin: germline.
Comment: This variant was observed in the ICSL laboratory as part of a predisposition screen in an ostensibly healthy population. It had not been previously curated by ICSL or reported in the Human Gene Mutation Database (HGMD: prior to June 1st, 2018), and was therefore a candidate for classification through an automated scoring system. Utilizing variant allele frequency, disease prevalence and penetrance estimates, and inheritance mode, an automated score was calculated to assess if this variant is too frequent to cause the disease. Based on the score and internal cut-off values, a variant classified as likely benign is not then subjected to further curation. The score for this variant resulted in a classification of likely benign for this disease.

Illumina Laboratory Services, Illumina
Classification: Benign for Marfan syndrome. Last evaluated: 2018-01-13. Review status: criteria provided, single submitter. Criteria: ICSL Variant Classification Criteria 13 December 2019. Collection method: clinical testing. Allele origin: germline.
Comment: the same text as in the submission from Illumina Laboratory Services, Illumina above.

Breakthrough Genomics
Classification: Likely benign. Review status: criteria provided, single submitter. Criteria: ACMG Guidelines, 2015. Collection method: not provided. Allele origin: germline. Inheritance: Autosomal dominant inheritance. Affected: yes.